The following is an entry in ClinVar:

NM_001267550.2(TTN):c.56693G>A (p.Arg18898His)

Genes: TTN-AS1 (TTN antisense RNA 1; plus strand), TTN (titin; minus strand). Cytogenetic location: 2q31.2.
Variant type: single nucleotide variant.
Coding change: c.56693G>A on transcript NM_001267550.2 (MANE Select); coding-DNA position 56693, G replaced by A.
Protein change: p.Arg18898His; replaces arginine 18898 with histidine.
Molecular consequence: missense variant.
Genome position (GRCh38, 1-based): chr2:178,599,017, C>T on the plus strand (G>A on the coding strand, the complement: TTN is on the minus strand). VCF-style: chr2-178599017-C-T. GRCh37 (hg19) VCF-style: chr2-179463744-C-T.
Other names: c.51770G>A, p.Arg17257His (NM_001256850.1); c.29498G>A, p.Arg9833His (NM_003319.4); c.48989G>A, p.Arg16330His (NM_133378.4); c.29873G>A, p.Arg9958His (NM_133432.3); c.30074G>A, p.Arg10025His (NM_133437.4); short protein forms R18898H, R9833H, R16330H, R17257H, R9958H, R10025H.
Identifiers: ClinVar variation 405071 (VCV000405071.18), dbSNP rs572453785, ClinGen allele CA1993193.
Genomic context (GRCh38, chr2:178,599,017, plus strand): 5'-CCTGTCACAGGAGAGCCTCCATCATATTCTGGCTCTTCCCAGTTGACAGTCATGGAGTTA[C>T]GAGTCACGCTGCTAACTGTTGGTTTATCTGGTGCTCCAGGGACAGCTGTGAAAAAGATCA-3'
Protein context (NP_001254479.2, residues 18888-18908): PDKPTVSSVT[Arg18898His]NSMTVNWEEP

ClinVar aggregate classification (germline): Uncertain significance. Review status: criteria provided, multiple submitters, no conflicts (2 of 4 stars). 7 submissions from 7 submitters: Uncertain significance (6). 1 of the submissions does not count toward it. Last evaluated 2025-06-05.

Conditions:
Cardiovascular phenotype. Identifiers: MedGen CN230736.
TTN-related disorder. Also called: TTN-related condition; TTN-related disease; TTN-related disorders.
Autosomal recessive limb-girdle muscular dystrophy type 2J (LGMDR10). Also called: MUSCULAR DYSTROPHY, LIMB-GIRDLE, AUTOSOMAL RECESSIVE 10; Limb-girdle muscular dystrophy, type 2J. Identifiers: Orphanet 140922, MedGen C1837342, MONDO:0012127, OMIM 608807.
Dilated cardiomyopathy 1G (CMD1G). Identifiers: Orphanet 154, MedGen C1858763, MONDO:0011400, OMIM 604145.
Myopathy, myofibrillar, 9, with early respiratory failure (MFM9). Also called: Myopathy, distal, with early respiratory failure, autosomal dominant; Hereditary myopathy with early respiratory failure; EDSTROM MYOPATHY; MYOPATHY, PROXIMAL, WITH EARLY RESPIRATORY MUSCLE INVOLVEMENT. Identifiers: Orphanet 178464, Orphanet 34521, MedGen C1863599, MONDO:0011362, OMIM 603689.
Tibial muscular dystrophy (TMD). Also called: UDD MYOPATHY; Tibial muscular dystrophy, tardive; Udd Distal Myopathy – Tibial Muscular Dystrophy. Identifiers: Orphanet 609, MedGen C1838244, MONDO:0010870, OMIM 600334.
Early-onset myopathy with fatal cardiomyopathy (CMYO5). Also called: Salih Myopathy; CONGENITAL MYOPATHY 5 WITH CARDIOMYOPATHY. Identifiers: Orphanet 289377, MedGen C2673677, MONDO:0012714, OMIM 611705. Disease mechanism: loss of function.
Hypertrophic cardiomyopathy 9. Also called: Familial hypertrophic cardiomyopathy 9. Identifiers: MedGen C1861065, MONDO:0013412, OMIM 613765.
Cardiomyopathy (CMYO). Also called: Cardiomyopathies. Identifiers: Orphanet 167848, MedGen C0878544, MONDO:0004994, HP:0001638. Inheritance: Various modes of inheritance.

Allele frequency attached by ClinVar (database versions not stated): ExAC 0.00003; gnomAD exomes 0.00005 and 0.00008; TOPMed 0.00008; gnomAD 0.00011; 1000 Genomes Project 30x 0.00016; 1000 Genomes Project 0.00020.
gnomAD v4.1: 132 of 1,598,810 alleles (0.0083%); highest among the groups gnomAD compares: African/African-American, 0.027%; 1 homozygote.

Submissions (7):

Revvity Omics, Revvity
Classification: Uncertain significance. Last evaluated: 2025-06-05. Review status: criteria provided, single submitter. Criteria: ACMG Guidelines, 2015. Collection method: clinical testing. Allele origin: germline.

Fulgent Genetics
Classification: Uncertain significance for Tibial muscular dystrophy; Myopathy, myofibrillar, 9, with early respiratory failure; Dilated cardiomyopathy 1G; Autosomal recessive limb-girdle muscular dystrophy type 2J; Early-onset myopathy with fatal cardiomyopathy; Hypertrophic cardiomyopathy 9. Last evaluated: 2021-11-01. Review status: criteria provided, single submitter. Criteria: ACMG Guidelines, 2015. Collection method: clinical testing. Allele origin: unknown.

Ambry Genetics
Classification: Uncertain significance for Cardiovascular phenotype. Last evaluated: 2020-01-24. Review status: criteria provided, single submitter. Criteria: Ambry Variant Classification Scheme 2023. Collection method: clinical testing. Allele origin: germline.
Comment: The p.R9833H variant (also known as c.29498G>A), located in coding exon 118 of the TTN gene, results from a G to A substitution at nucleotide position 29498. The arginine at codon 9833 is replaced by histidine, an amino acid with highly similar properties. This amino acid position is not well conserved in available vertebrate species. In addition, this alteration is predicted to be tolerated by in silico analysis. Since supporting evidence is limited at this time, the clinical significance of this alteration remains unclear.

CHEO Genetics Diagnostic Laboratory, Children's Hospital of Eastern Ontario
Classification: Uncertain significance for Cardiomyopathy. Last evaluated: 2019-11-18. Review status: criteria provided, single submitter. Criteria: ACMG Guidelines, 2015. Collection method: clinical testing. Allele origin: germline.

ARUP Laboratories, Molecular Genetics and Genomics, ARUP Laboratories
Classification: Uncertain significance. Last evaluated: 2019-01-11. Review status: criteria provided, single submitter. Criteria: ARUP Molecular Germline Variant Investigation Process. Collection method: clinical testing. Allele origin: germline.
Comment: The TTN c.48989G>A; p.Arg16330His variant (rsID; ClinVar Variation ID: 405071) is rare in the general population (<1% allele frequency in the Genome Aggregation Database) and has not been reported in the medical literature in association with dilated cardiomyopathy (DCM) or other TTN-related disease. The clinical relevance of rare missense variants in this gene, which are identified on average once per individual sequenced in affected populations (Herman 2012), is not well understood. Yet, evidence suggests that the vast majority of such missense variants do not contribute to the clinical outcome of DCM (Begay 2015). Thus, the clinical significance of the p.Arg16330His variant cannot be determined with certainty.

Labcorp Genetics (formerly Invitae), Labcorp
Classification: Uncertain significance for Dilated cardiomyopathy 1G; Autosomal recessive limb-girdle muscular dystrophy type 2J. Last evaluated: 2017-09-07. Review status: criteria provided, single submitter. Criteria: Invitae Variant Classification Sherloc (09022015). Collection method: clinical testing. Allele origin: germline.

PreventionGenetics, part of Exact Sciences
Classification: Uncertain significance for TTN-related condition. Last evaluated: 2024-07-10. Review status: no assertion criteria provided. Collection method: clinical testing. Allele origin: germline. Not counted in ClinVar's aggregate classification.
Comment: The TTN c.56693G>A variant is predicted to result in the amino acid substitution p.Arg18898His. To our knowledge, this variant has not been reported in the literature. This variant is reported in 0.017% of alleles in individuals of African descent in gnomAD. At this time, the clinical significance of this variant is uncertain due to the absence of conclusive functional and genetic evidence.